The following is an entry in ClinVar:

NM_007294.4(BRCA1):c.148A>G (p.Lys50Glu)

Gene: BRCA1 (BRCA1 DNA repair associated; minus strand). Cytogenetic location: 17q21.31.
Variant type: single nucleotide variant.
Coding change: c.148A>G on transcript NM_007294.4 (MANE Select); coding-DNA position 148, A replaced by G.
Protein change: p.Lys50Glu; replaces lysine 50 with glutamic acid.
Molecular consequence: missense variant. On other transcripts: non-coding transcript variant (1).
Genome position (GRCh38, 1-based): chr17:43,106,520, T>C on the plus strand (A>G on the coding strand, the complement: BRCA1 is on the minus strand). VCF-style: chr17-43106520-T-C. GRCh37 (hg19) VCF-style: chr17-41258537-T-C.
Other names: c.-41A>G (NM_001407571.1, NM_001407853.1, NM_001407879.1 and 58 more transcripts); c.148A>G, p.Lys50Glu (NM_001407581.1, NM_001407582.1, NM_001407583.1 and 168 more transcripts); c.7A>G, p.Lys3Glu (NM_001407692.1, NM_001407694.1, NM_001407695.1 and 99 more transcripts); short protein forms K3E, K50E.
Identifiers: ClinVar variation 867890 (VCV000867890.3), dbSNP rs747212786, ClinGen allele CA053450.

Conditions:
Breast-ovarian cancer, familial, susceptibility to, 1 (BROVCA1). Also called: BRCA1 Hereditary Breast and Ovarian Cancer; OVARIAN CANCER, SUSCEPTIBILITY TO. Identifiers: Orphanet 145, MedGen C2676676, MONDO:0011450, OMIM 604370. Disease mechanism: loss of function.

Allele frequency attached by ClinVar (database versions not stated): gnomAD exomes below 0.00001; ExAC 0.00001.
gnomAD v4.1: 1 of 1,598,096 alleles (0.000063%); highest among the groups gnomAD compares: South Asian, 0.0011%; no homozygotes.

Submission:

Brotman Baty Institute, University of Washington
No classification provided (evidence only). Condition: Breast-ovarian cancer, familial 1. Review status: no classification provided. Collection method: in vitro. Allele origin: not applicable. Functional consequence: functionally_normal.
ClinVar note: "not provided" was previously submitted as the classification for the variant. However, the classification appeared to be based only on an observation of functional data so it was converted to no classification on 2025-07-30.